The following is an entry in ClinVar:

NM_001354604.2(MITF):c.1243C>T (p.Pro415Ser)

Gene: MITF (melanocyte inducing transcription factor; plus strand). Cytogenetic location: 3p13.
Variant type: single nucleotide variant.
Coding change: c.1243C>T on transcript NM_001354604.2 (MANE Select); coding-DNA position 1243, C replaced by T.
Protein change: p.Pro415Ser; replaces proline 415 with serine.
Molecular consequence: missense variant.
Genome position (GRCh38, 1-based): chr3:69,964,910, C>T. VCF-style: chr3-69964910-C-T. GRCh37 (hg19) VCF-style: chr3-70014061-C-T.
Other names: c.922C>T, p.Pro308Ser (NM_000248.4); c.1069C>T, p.Pro357Ser (NM_001184967.2, NM_001354608.2); c.1240C>T, p.Pro414Ser (NM_001354605.2); c.1222C>T, p.Pro408Ser (NM_001354606.2, NM_006722.3); c.1174C>T, p.Pro392Ser (NM_001354607.2); c.904C>T, p.Pro302Ser (NM_198158.3); c.1225C>T, p.Pro409Ser (NM_198159.3); c.1177C>T, p.Pro393Ser (NM_198177.3); and 1 more; short protein forms P246S, P302S, P308S, P357S, P392S, P393S, P408S, P409S.
Identifiers: ClinVar variation 3752731 (VCV003752731.4).

ClinVar aggregate classification (germline): Uncertain significance. Review status: criteria provided, multiple submitters, no conflicts (2 of 4 stars). 2 submissions from 2 submitters: Uncertain significance (2). Last evaluated 2026-05-06.

Conditions:
Hereditary cancer-predisposing syndrome. Also called: Hereditary Cancer Syndrome; Hereditary neoplastic syndrome; Neoplastic Syndromes, Hereditary; Tumor predisposition. Identifiers: Orphanet 140162, MedGen C0027672, MeSH D009386, MONDO:0015356.
Tietz syndrome (TADS). Also called: ALBINISM-DEAFNESS OF TIETZ; HYPOPIGMENTATION/DEAFNESS OF TIETZ; TIETZ ALBINISM-DEAFNESS SYNDROME. Identifiers: Orphanet 42665, MedGen C0391816, MONDO:0007077, OMIM 103500.
Waardenburg syndrome type 2A (WS2A). Also called: WAARDENBURG SYNDROME WITHOUT DYSTOPIA CANTHORUM. Identifiers: Orphanet 3440, MedGen C1860339, MONDO:0008671, OMIM 193510.
Melanoma, cutaneous malignant, susceptibility to, 8. Also called: Cutaneous malignant melanoma 8; MELANOMA AND RENAL CELL CARCINOMA, SUSCEPTIBILITY TO. Identifiers: Orphanet 293822, MedGen C3152204, MONDO:0013759, OMIM 614456.

Submissions (2):

Ambry Genetics
Classification: Uncertain significance for Hereditary cancer-predisposing syndrome. Last evaluated: 2026-05-06. Review status: criteria provided, single submitter. Criteria: Ambry Variant Classification Scheme 2023. Collection method: clinical testing. Allele origin: germline.

Labcorp Genetics (formerly Invitae), Labcorp
Classification: Uncertain significance for Melanoma, cutaneous malignant, susceptibility to, 8; Waardenburg syndrome type 2A; Tietz syndrome. Last evaluated: 2024-11-24. Review status: criteria provided, single submitter. Criteria: Invitae Variant Classification Sherloc (09022015). Collection method: clinical testing. Allele origin: germline.
Comment: This sequence change replaces proline, which is neutral and non-polar, with serine, which is neutral and polar, at codon 308 of the MITF protein (p.Pro308Ser). This variant is not present in population databases (gnomAD no frequency). This variant has not been reported in the literature in individuals affected with MITF-related conditions. Invitae Evidence Modeling of protein sequence and biophysical properties (such as structural, functional, and spatial information, amino acid conservation, physicochemical variation, residue mobility, and thermodynamic stability) indicates that this missense variant is not expected to disrupt MITF protein function with a negative predictive value of 80%. In summary, the available evidence is currently insufficient to determine the role of this variant in disease. Therefore, it has been classified as a Variant of Uncertain Significance.